The following is an entry in ClinVar:

NM_006302.3(MOGS):c.1961A>G (p.Asp654Gly)

Gene: MOGS (mannosyl-oligosaccharide glucosidase; minus strand). Cytogenetic location: 2p13.1.
Variant type: single nucleotide variant.
Coding change: c.1961A>G on transcript NM_006302.3 (MANE Select); coding-DNA position 1961, A replaced by G.
Protein change: p.Asp654Gly; replaces aspartic acid 654 with glycine.
Molecular consequence: missense variant.
Genome position (GRCh38, 1-based): chr2:74,461,828, T>C on the plus strand (A>G on the coding strand, the complement: MOGS is on the minus strand). VCF-style: chr2-74461828-T-C. GRCh37 (hg19) VCF-style: chr2-74688955-T-C.
Other names: c.1643A>G, p.Asp548Gly (NM_001146158.2); short protein forms D548G, D654G.
Identifiers: ClinVar variation 1371296 (VCV001371296.6), dbSNP rs1572919705, ClinGen allele CA347369074.

ClinVar aggregate classification (germline): Uncertain significance (1 of 4 stars; one submission).

Conditions:
MOGS-congenital disorder of glycosylation. Also called: GLUCOSIDASE I DEFICIENCY; MOGS-CDG; CDG IIb; CDG 2B. Identifiers: Orphanet 79330, MedGen C1853736, MONDO:0011629, OMIM 606056.

Submission:

Labcorp Genetics (formerly Invitae), Labcorp
Classification: Uncertain significance for MOGS-congenital disorder of glycosylation. Last evaluated: 2021-09-21. Review status: criteria provided, single submitter. Criteria: Invitae Variant Classification Sherloc (09022015). Collection method: clinical testing. Allele origin: germline.
Comment: This variant has not been reported in the literature in individuals affected with MOGS-related conditions. In summary, the available evidence is currently insufficient to determine the role of this variant in disease. Therefore, it has been classified as a Variant of Uncertain Significance. Algorithms developed to predict the effect of missense changes on protein structure and function (SIFT, PolyPhen-2, Align-GVGD) all suggest that this variant is likely to be disruptive. This variant is not present in population databases (ExAC no frequency). This sequence change replaces aspartic acid with glycine at codon 654 of the MOGS protein (p.Asp654Gly). The aspartic acid residue is highly conserved and there is a moderate physicochemical difference between aspartic acid and glycine.